The following is an entry in ClinVar:

NM_005257.6(GATA6):c.779C>T (p.Ser260Leu)

Gene: GATA6 (GATA binding protein 6; plus strand). Cytogenetic location: 18q11.2.
Variant type: single nucleotide variant.
Coding change: c.779C>T on transcript NM_005257.6 (MANE Select); coding-DNA position 779, C replaced by T.
Protein change: p.Ser260Leu; replaces serine 260 with leucine.
Molecular consequence: missense variant.
Genome position (GRCh38, 1-based): chr18:22,171,923, C>T. VCF-style: chr18-22171923-C-T. GRCh37 (hg19) VCF-style: chr18-19751884-C-T.
Other names: short protein forms S260L.
Identifiers: ClinVar variation 2778798 (VCV002778798.3), dbSNP rs1424061599, ClinGen allele CA401800768.

ClinVar aggregate classification (germline): Uncertain significance (1 of 4 stars; one submission).

Conditions:
Atrioventricular septal defect 5 (AVSD5). Identifiers: MedGen C3280939, MONDO:0013769, OMIM 614474.

Allele frequency attached by ClinVar (database versions not stated): gnomAD exomes 0.00001; gnomAD 0.00001.
gnomAD v4.1: 6 of 1,179,330 alleles (0.00051%); highest among the groups gnomAD compares: Non-Finnish European, 0.00063%; no homozygotes.

Submission:

Labcorp Genetics (formerly Invitae), Labcorp
Classification: Uncertain significance for Atrioventricular septal defect 5. Last evaluated: 2025-11-24. Review status: criteria provided, single submitter. Criteria: Invitae Variant Classification Sherloc (09022015). Collection method: clinical testing. Allele origin: germline.
Comment: This sequence change replaces serine, which is neutral and polar, with leucine, which is neutral and non-polar, at codon 260 of the GATA6 protein (p.Ser260Leu). This variant is present in population databases (no rsID available, gnomAD 0.02%). This variant has not been reported in the literature in individuals affected with GATA6-related conditions. ClinVar contains an entry for this variant (Variation ID: 2778798). Invitae Evidence Modeling of protein sequence and biophysical properties (such as structural, functional, and spatial information, amino acid conservation, physicochemical variation, residue mobility, and thermodynamic stability) indicates that this missense variant is not expected to disrupt GATA6 protein function with a negative predictive value of 80%. In summary, the available evidence is currently insufficient to determine the role of this variant in disease. Therefore, it has been classified as a Variant of Uncertain Significance.